The following is an entry in ClinVar:

NM_133459.4(CCBE1):c.1196G>A (p.Arg399Lys)

Gene: CCBE1 (collagen and calcium binding EGF domains 1; minus strand). Cytogenetic location: 18q21.32.
Variant type: single nucleotide variant.
Coding change: c.1196G>A on transcript NM_133459.4 (MANE Select); coding-DNA position 1196, G replaced by A.
Protein change: p.Arg399Lys; replaces arginine 399 with lysine.
Molecular consequence: missense variant.
Genome position (GRCh38, 1-based): chr18:59,435,933, C>T on the plus strand (G>A on the coding strand, the complement: CCBE1 is on the minus strand). VCF-style: chr18-59435933-C-T. GRCh37 (hg19) VCF-style: chr18-57103165-C-T.
Other names: short protein forms R399K.
Identifiers: ClinVar variation 2078858 (VCV002078858.4), dbSNP rs1269183737, ClinGen allele CA402593772.

ClinVar aggregate classification (germline): Uncertain significance (1 of 4 stars; one submission).

Allele frequency attached by ClinVar (database versions not stated): gnomAD exomes 0.00001.
gnomAD v4.1: 3 of 1,614,106 alleles (0.00019%); highest among the groups gnomAD compares: East Asian, 0.0067%; no homozygotes.

Submission:

Labcorp Genetics (formerly Invitae), Labcorp
Classification: Uncertain significance. Last evaluated: 2022-08-06. Review status: criteria provided, single submitter. Criteria: Invitae Variant Classification Sherloc (09022015). Collection method: clinical testing. Allele origin: germline.
Comment: This sequence change replaces arginine, which is basic and polar, with lysine, which is basic and polar, at codon 399 of the CCBE1 protein (p.Arg399Lys). This variant is present in population databases (no rsID available, gnomAD 0.006%). This variant has not been reported in the literature in individuals affected with CCBE1-related conditions. Algorithms developed to predict the effect of missense changes on protein structure and function (SIFT, PolyPhen-2, Align-GVGD) all suggest that this variant is likely to be tolerated. In summary, the available evidence is currently insufficient to determine the role of this variant in disease. Therefore, it has been classified as a Variant of Uncertain Significance.